The following is an entry in ClinVar:

NM_016239.4(MYO15A):c.10192C>T (p.His3398Tyr)

Gene: MYO15A (myosin XVA; plus strand). Cytogenetic location: 17p11.2.
Variant type: single nucleotide variant.
Coding change: c.10192C>T on transcript NM_016239.4 (MANE Select); coding-DNA position 10192, C replaced by T.
Protein change: p.His3398Tyr; replaces histidine 3398 with tyrosine.
Molecular consequence: missense variant.
Genome position (GRCh38, 1-based): chr17:18,171,747, C>T. VCF-style: chr17-18171747-C-T. GRCh37 (hg19) VCF-style: chr17-18075061-C-T.
Other names: short protein forms H3398Y.
Identifiers: ClinVar variation 2629517 (VCV002629517.7), dbSNP rs375199386, ClinGen allele CA8425827.
Genomic context (GRCh38, chr17:18,171,747, plus strand): 5'-GGCTCGACCTGGCTCAACCTGGTCAGCCAGCACCGGCAGCAGACACAGGCGCTCAGCCCC[C>T]ACCAGGCCCGTGCCCAGTTTCTGGGTAAGAGCTGCAGGGCAGGGGAGGTGATCATAGGGG-3'
Protein context (NP_057323.3, residues 3388-3408): HRQQTQALSP[His3398Tyr]QARAQFLGLL

ClinVar aggregate classification (germline): Conflicting classifications of pathogenicity. Review status: criteria provided, conflicting classifications (1 of 4 stars). 5 submissions from 5 submitters: Uncertain significance (4); Likely benign (1). Last evaluated 2025-03-15.

Conditions:
MYO15A-related disorder. Also called: MYO15A-related condition.
Inborn genetic diseases. Identifiers: MedGen C0950123, MeSH D030342.

Allele frequency attached by ClinVar (database versions not stated): ESP Exome Variant Server 0.00008; 1000 Genomes Project 30x 0.00016; 1000 Genomes Project 0.00020.
gnomAD v4.1: 24 of 1,611,490 alleles (0.0015%); highest among the groups gnomAD compares: African/African-American, 0.027%; no homozygotes.

Submissions (5):

Ambry Genetics
Classification: Uncertain significance for Inborn genetic diseases. Last evaluated: 2025-03-15. Review status: criteria provided, single submitter. Criteria: Ambry Variant Classification Scheme 2023. Collection method: clinical testing. Allele origin: germline.

GeneDx
Classification: Uncertain significance. Last evaluated: 2025-02-12. Review status: criteria provided, single submitter. Criteria: GeneDx Variant Classification Process June 2021. Collection method: clinical testing. Allele origin: germline. Affected: yes.
Comment: In silico analysis supports that this missense variant has a deleterious effect on protein structure/function; Has not been previously published as pathogenic or benign to our knowledge

Labcorp Genetics (formerly Invitae), Labcorp
Classification: Likely benign. Last evaluated: 2024-01-18. Review status: criteria provided, single submitter. Criteria: Invitae Variant Classification Sherloc (09022015). Collection method: clinical testing. Allele origin: germline.

PreventionGenetics, part of Exact Sciences
Classification: Uncertain significance for MYO15A-related condition. Last evaluated: 2023-06-07. Review status: criteria provided, single submitter. Criteria: ACMG Guidelines, 2015. Collection method: clinical testing. Allele origin: germline.
Comment: The MYO15A c.10192C>T variant is predicted to result in the amino acid substitution p.His3398Tyr. To our knowledge, this variant has not been reported in the literature. This variant is reported in 0.047% of alleles in individuals of African descent in gnomAD. At this time, the clinical significance of this variant is uncertain due to the absence of conclusive functional and genetic evidence.

Blueprint Genetics
Classification: Uncertain significance. Last evaluated: 2019-10-09. Review status: criteria provided, single submitter. Criteria: ACMG Guidelines, 2015. Collection method: clinical testing. Allele origin: germline.